The following is an entry in ClinVar:

NM_001232.4(CASQ2):c.-22C>T

Gene: CASQ2 (calsequestrin 2; minus strand). Cytogenetic location: 1p13.1.
Variant type: single nucleotide variant.
Coding change: c.-22C>T on transcript NM_001232.4 (MANE Select); 22 bases upstream of the start codon, C replaced by T.
Molecular consequence: 5 prime UTR variant.
Genome position (GRCh38, 1-based): chr1:115,768,563, G>A on the plus strand (C>T on the coding strand, the complement: CASQ2 is on the minus strand). VCF-style: chr1-115768563-G-A. GRCh37 (hg19) VCF-style: chr1-116311184-G-A.
Identifiers: ClinVar variation 509563 (VCV000509563.2), dbSNP rs180956898, ClinGen allele CA1024017.

ClinVar aggregate classification (germline): Likely benign. Review status: criteria provided, multiple submitters, no conflicts (2 of 4 stars). 2 submissions from 2 submitters: Likely benign (2). Last evaluated 2017-05-11.

Allele frequency attached by ClinVar (database versions not stated): gnomAD 0.00003; TOPMed 0.00005; ExAC 0.00011; 1000 Genomes Project 30x 0.00016; 1000 Genomes Project 0.00020.
gnomAD v4.1: 37 of 1,503,844 alleles (0.0025%); highest among the groups gnomAD compares: South Asian, 0.018%; no homozygotes.

Submissions (2):

GeneDx
Classification: Likely benign. Last evaluated: 2017-05-11. Review status: criteria provided, single submitter. Criteria: GeneDx Variant Classification (06012015). Collection method: clinical testing. Allele origin: germline. Affected: yes.
Comment: This variant is considered likely benign or benign based on one or more of the following criteria: it is a conservative change, it occurs at a poorly conserved position in the protein, it is predicted to be benign by multiple in silico algorithms, and/or has population frequency not consistent with disease.

Breakthrough Genomics
Classification: Likely benign. Review status: criteria provided, single submitter. Criteria: ACMG Guidelines, 2015. Collection method: not provided. Allele origin: germline. Inheritance: Autosomal recessive inheritance. Affected: yes.